The following is an entry in ClinVar:

NM_004752.4(GCM2):c.186C>T (p.Ser62=)

Gene: GCM2 (GCM transcription factor 2; minus strand). Cytogenetic location: 6p24.2.
Variant type: single nucleotide variant.
Coding change: c.186C>T on transcript NM_004752.4 (MANE Select); coding-DNA position 186, C replaced by T.
Protein change: p.Ser62=; no amino-acid change (serine 62 retained).
Molecular consequence: synonymous variant.
Genome position (GRCh38, 1-based): chr6:10,877,297, G>A on the plus strand (C>T on the coding strand, the complement: GCM2 is on the minus strand). VCF-style: chr6-10877297-G-A. GRCh37 (hg19) VCF-style: chr6-10877530-G-A.
Identifiers: ClinVar variation 355019 (VCV000355019.13), dbSNP rs141006427, ClinGen allele CA3634143.
Genomic context (GRCh38, chr6:10,877,297, plus strand): 5'-CAGGCACGACTTCTTGAGGATGTGGCCATTGTGGTTGTTGGTGTTGCGCATGGCCCAGCC[G>A]CTCAGGTGACGCTGTGCCTTCTTCTCATCGCTGCTGTAGATGAAGCGCACATAGCCGTCA-3'
Protein context (NP_004743.1, residues 52-72): SDEKKAQRHL[Ser62=]GWAMRNTNNH

ClinVar aggregate classification (germline): Benign/Likely benign. Review status: criteria provided, multiple submitters, no conflicts (2 of 4 stars). 3 submissions from 3 submitters: Benign (1); Likely benign (2). Last evaluated 2026-01-19.

Conditions:
Familial hypoparathyroidism. Also called: Familial isolated hypoparathyroidism. Identifiers: Orphanet 2238, MedGen C1832648, MONDO:0016390.

Allele frequency attached by ClinVar (database versions not stated): ESP Exome Variant Server 0.00008; gnomAD 0.00026 and 0.00044; TOPMed 0.00041; gnomAD exomes 0.00075; ExAC 0.00094; 1000 Genomes Project 30x 0.00187; 1000 Genomes Project 0.00220.

Submissions (3):

Labcorp Genetics (formerly Invitae), Labcorp
Classification: Benign. Last evaluated: 2026-01-19. Review status: criteria provided, single submitter. Criteria: Invitae Variant Classification Sherloc (09022015). Collection method: clinical testing. Allele origin: germline.

Blueprint Genetics
Classification: Likely benign. Last evaluated: 2024-11-06. Review status: criteria provided, single submitter. Criteria: ACMG Guidelines, 2015. Collection method: clinical testing. Allele origin: germline.

Illumina Laboratory Services, Illumina
Classification: Likely benign for Hypoparathyroidism, familial isolated 1. Last evaluated: 2018-01-13. Review status: criteria provided, single submitter. Criteria: ICSL Variant Classification Criteria 13 December 2019. Collection method: clinical testing. Allele origin: germline.
Comment: This variant was observed in the ICSL laboratory as part of a predisposition screen in an ostensibly healthy population. It had not been previously curated by ICSL or reported in the Human Gene Mutation Database (HGMD: prior to June 1st, 2018), and was therefore a candidate for classification through an automated scoring system. Utilizing variant allele frequency, disease prevalence and penetrance estimates, and inheritance mode, an automated score was calculated to assess if this variant is too frequent to cause the disease. Based on the score and internal cut-off values, a variant classified as likely benign is not then subjected to further curation. The score for this variant resulted in a classification of likely benign for this disease.